The following is an entry in ClinVar:

ClinVar aggregate classification (germline): Uncertain significance (1 of 4 stars; one submission).

gnomAD v4.1: 4 of 1,613,380 alleles (0.00025%); highest among the groups gnomAD compares: African/African-American, 0.0013%; no homozygotes.

Submission:

Labcorp Genetics (formerly Invitae), Labcorp
Classification: Uncertain significance. Last evaluated: 2022-08-02. Review status: criteria provided, single submitter. Criteria: Invitae Variant Classification Sherloc (09022015). Collection method: clinical testing. Allele origin: germline.
Comment: In summary, the available evidence is currently insufficient to determine the role of this variant in disease. Therefore, it has been classified as a Variant of Uncertain Significance. Algorithms developed to predict the effect of missense changes on protein structure and function (SIFT, PolyPhen-2, Align-GVGD) all suggest that this variant is likely to be tolerated. This variant has not been reported in the literature in individuals affected with DSG1-related conditions. This variant is present in population databases (rs35360042, gnomAD 0.006%). This sequence change replaces methionine, which is neutral and non-polar, with isoleucine, which is neutral and non-polar, at codon 665 of the DSG1 protein (p.Met665Ile).

NM_001942.4(DSG1):c.1995G>A (p.Met665Ile)

Genes: DSG1 (desmoglein 1; plus strand), DSG1-AS1 (DSG1 antisense RNA 1; minus strand). Cytogenetic location: 18q12.1.
Variant type: single nucleotide variant.
Coding change: c.1995G>A on transcript NM_001942.4 (MANE Select); coding-DNA position 1995, G replaced by A.
Protein change: p.Met665Ile; replaces methionine 665 with isoleucine.
Molecular consequence: missense variant.
Genome position (GRCh38, 1-based): chr18:31,346,093, G>A. VCF-style: chr18-31346093-G-A. GRCh37 (hg19) VCF-style: chr18-28926056-G-A.
Other names: short protein forms M665I.
Identifiers: ClinVar variation 1966580 (VCV001966580.5), dbSNP rs35360042, ClinGen allele CA8926246.